The following is an entry in ClinVar:

ClinVar aggregate classification (germline): Uncertain significance (1 of 4 stars; one submission).

Conditions:
Carney complex, type 1 (CNC1). Also called: CARNEY MYXOMA-ENDOCRINE COMPLEX; CARNEY COMPLEX, TYPE I. Identifiers: Orphanet 1359, MedGen C2607929, MONDO:0008057, OMIM 160980.

Submission:

Labcorp Genetics (formerly Invitae), Labcorp
Classification: Uncertain significance for Carney complex, type 1. Last evaluated: 2020-02-11. Review status: criteria provided, single submitter. Criteria: Invitae Variant Classification Sherloc (09022015). Collection method: clinical testing. Allele origin: germline.
Comment: In summary, the available evidence is currently insufficient to determine the role of this variant in disease. Therefore, it has been classified as a Variant of Uncertain Significance. Algorithms developed to predict the effect of missense changes on protein structure and function (SIFT, PolyPhen-2, Align-GVGD) all suggest that this variant is likely to be tolerated, but these predictions have not been confirmed by published functional studies and their clinical significance is uncertain. This sequence change replaces leucine with isoleucine at codon 296 of the PRKAR1A protein (p.Leu296Ile). The leucine residue is highly conserved and there is a small physicochemical difference between leucine and isoleucine. This variant is not present in population databases (ExAC no frequency). This variant has not been reported in the literature in individuals with PRKAR1A-related conditions.

NM_002734.5(PRKAR1A):c.886T>A (p.Leu296Ile)

Gene: PRKAR1A (protein kinase cAMP-dependent type I regulatory subunit alpha; plus strand). Cytogenetic location: 17q24.2.
Variant type: single nucleotide variant.
Coding change: c.886T>A on transcript NM_002734.5 (MANE Select); coding-DNA position 886, T replaced by A.
Protein change: p.Leu296Ile; replaces leucine 296 with isoleucine.
Molecular consequence: missense variant.
Genome position (GRCh38, 1-based): chr17:68,528,986, T>A. VCF-style: chr17-68528986-T-A. GRCh37 (hg19) VCF-style: chr17-66525127-T-A.
Other names: c.886T>A, p.Leu296Ile (NM_001276289.2, NM_001276290.1, NM_001278433.2 and 4 more transcripts); short protein forms L296I.
Identifiers: ClinVar variation 1051861 (VCV001051861.9), dbSNP rs2143368469, ClinGen allele CA400754048.